The following is an entry in ClinVar:

ClinVar aggregate classification (germline): Uncertain significance. Review status: criteria provided, multiple submitters, no conflicts (2 of 4 stars). 4 submissions from 4 submitters: Uncertain significance (3). 1 of the submissions does not count toward it. Last evaluated 2024-10-04.

Conditions:
Glycogen storage disease, type II (IOPD). Also called: Pompe Disease; GAA DEFICIENCY, INFANTILE-ONSET; ACID MALTASE DEFICIENCY, INFANTILE-ONSET; GLYCOGENOSIS, GENERALIZED, CARDIAC FORM; GSD II; Glucosidase acid-1,4-alpha deficiency. Identifiers: Orphanet 365, MedGen C0017921, MONDO:0009290, OMIM 232300.

Allele frequency attached by ClinVar (database versions not stated): gnomAD exomes 0.00002; ExAC 0.00003; gnomAD 0.00003; TOPMed 0.00004.
gnomAD v4.1: 26 of 1,595,392 alleles (0.0016%); highest among the groups gnomAD compares: African/African-American, 0.0093%; no homozygotes.

Submissions (4):

Labcorp Genetics (formerly Invitae), Labcorp
Classification: Uncertain significance for Glycogen storage disease, type II. Last evaluated: 2024-10-04. Review status: criteria provided, single submitter. Criteria: Invitae Variant Classification Sherloc (09022015). Collection method: clinical testing. Allele origin: germline.
Comment: This sequence change replaces arginine, which is basic and polar, with histidine, which is basic and polar, at codon 229 of the GAA protein (p.Arg229His). This variant is present in population databases (rs776509432, gnomAD 0.007%). This variant has not been reported in the literature in individuals affected with GAA-related conditions. ClinVar contains an entry for this variant (Variation ID: 660473). Invitae Evidence Modeling of protein sequence and biophysical properties (such as structural, functional, and spatial information, amino acid conservation, physicochemical variation, residue mobility, and thermodynamic stability) indicates that this missense variant is not expected to disrupt GAA protein function with a negative predictive value of 95%. In summary, the available evidence is currently insufficient to determine the role of this variant in disease. Therefore, it has been classified as a Variant of Uncertain Significance.

Revvity Omics, Revvity
Classification: Uncertain significance. Last evaluated: 2023-08-15. Review status: criteria provided, single submitter. Criteria: ACMG Guidelines, 2015. Collection method: clinical testing. Allele origin: germline.

Fulgent Genetics
Classification: Uncertain significance for Glycogen storage disease, type II. Last evaluated: 2021-10-29. Review status: criteria provided, single submitter. Criteria: ACMG Guidelines, 2015. Collection method: clinical testing. Allele origin: unknown.

Natera, Inc.
Classification: Uncertain significance for Glycogen storage disease type II. Last evaluated: 2020-09-16. Review status: no assertion criteria provided. Collection method: clinical testing. Allele origin: germline. Not counted in ClinVar's aggregate classification.

NM_000152.5(GAA):c.686G>A (p.Arg229His)

Gene: GAA (alpha glucosidase; plus strand). Cytogenetic location: 17q25.3.
Variant type: single nucleotide variant.
Coding change: c.686G>A on transcript NM_000152.5 (MANE Select); coding-DNA position 686, G replaced by A.
Protein change: p.Arg229His; replaces arginine 229 with histidine.
Molecular consequence: missense variant.
Genome position (GRCh38, 1-based): chr17:80,105,888, G>A. VCF-style: chr17-80105888-G-A. GRCh37 (hg19) VCF-style: chr17-78079687-G-A.
Other names: c.686G>A (NM_001079803.2, LRG_673t1); c.686G>A, p.Arg229His (NM_001079803.3, NM_001079804.3); short protein forms R229H.
Identifiers: ClinVar variation 660473 (VCV000660473.12), dbSNP rs776509432, ClinGen allele CA8814963.